The following is an entry in ClinVar:

ClinVar aggregate classification (germline): Uncertain significance (1 of 4 stars; one submission).

Submission:

GeneDx
Classification: Uncertain significance. Last evaluated: 2016-11-18. Review status: criteria provided, single submitter. Criteria: GeneDx Variant Classification (06012015). Collection method: clinical testing. Allele origin: germline. Affected: yes.
Comment: The Q107X variant in the HDAC4 gene has not been reported previously as a pathogenic variant nor as a benign variant, to our knowledge. This variant is predicted to cause loss of normal protein function either through protein truncation or nonsense-mediated mRNA decay. The Q107X variant was not observed in approximately 6500 individuals of European and African American ancestry in the NHLBI Exome Sequencing Project, indicating it is not a common benign variant in these populations. We interpret Q107X as a variant of uncertain significance.

NM_001378414.1(HDAC4):c.319C>T (p.Gln107Ter)

Gene: HDAC4 (histone deacetylase 4; minus strand). Cytogenetic location: 2q37.3.
Variant type: single nucleotide variant.
Coding change: c.319C>T on transcript NM_001378414.1 (MANE Select); coding-DNA position 319, C replaced by T.
Protein change: p.Gln107Ter; replaces glutamine 107 with a stop codon.
Molecular consequence: nonsense.
Genome position (GRCh38, 1-based): chr2:239,189,853, G>A on the plus strand (C>T on the coding strand, the complement: HDAC4 is on the minus strand). VCF-style: chr2-239189853-G-A. GRCh37 (hg19) VCF-style: chr2-240111549-G-A.
Other names: c.319C>T, p.Gln107Ter (NM_001378415.1, NM_001378416.1, NM_001378417.1 and 1 more transcripts); short protein forms Q107*.
Identifiers: ClinVar variation 488953 (VCV000488953.2), dbSNP rs1553549028, ClinGen allele CA351275260.